The following is an entry in ClinVar:

ClinVar aggregate classification (germline): Uncertain significance. Review status: criteria provided, multiple submitters, no conflicts (2 of 4 stars). 2 submissions from 2 submitters: Uncertain significance (2). Last evaluated 2024-05-20.

Conditions:
Imerslund-Grasbeck syndrome type 1 (IGS1). Also called: Megaloblastic anemia 1, Finnish type; MEGALOBLASTIC ANEMIA, 1; Imerslund-Gräsbeck syndrome 1. Identifiers: MedGen C4016819, MONDO:0100156, OMIM 261100.
Proteinuria, chronic benign. Identifiers: MedGen C5394384, MONDO:0030042, OMIM 618884.
Imerslund-Grasbeck syndrome. Also called: ENTEROCYTE COBALAMIN MALABSORPTION; ENTEROCYTE INTRINSIC FACTOR RECEPTOR, DEFECT OF; PERNICIOUS ANEMIA, JUVENILE, DUE TO SELECTIVE INTESTINAL MALABSORPTION OF VITAMIN B12, WITH PROTEINURIA; Imerslund-Gräsbeck syndrome; Megaloblastic anemia due to inborn errors of metabolism. Identifiers: Orphanet 35858, MedGen C4551825, MONDO:0009853.

Submissions (2):

Fulgent Genetics
Classification: Uncertain significance for Imerslund-Grasbeck syndrome type 1; Proteinuria, chronic benign. Last evaluated: 2024-05-20. Review status: criteria provided, single submitter. Criteria: ACMG Guidelines, 2015. Collection method: clinical testing. Allele origin: germline.

Labcorp Genetics (formerly Invitae), Labcorp
Classification: Uncertain significance for Imerslund-Grasbeck syndrome. Last evaluated: 2022-11-28. Review status: criteria provided, single submitter. Criteria: Invitae Variant Classification Sherloc (09022015). Collection method: clinical testing. Allele origin: germline.
Comment: In summary, the available evidence is currently insufficient to determine the role of this variant in disease. Therefore, it has been classified as a Variant of Uncertain Significance. Algorithms developed to predict the effect of sequence changes on RNA splicing suggest that this variant may disrupt the consensus splice site. Advanced modeling of protein sequence and biophysical properties (such as structural, functional, and spatial information, amino acid conservation, physicochemical variation, residue mobility, and thermodynamic stability) performed at Invitae indicates that this missense variant is expected to disrupt CUBN protein function. This variant has not been reported in the literature in individuals affected with CUBN-related conditions. This variant is not present in population databases (gnomAD no frequency). This sequence change replaces phenylalanine, which is neutral and non-polar, with serine, which is neutral and polar, at codon 516 of the CUBN protein (p.Phe516Ser).

NM_001081.4(CUBN):c.1547T>C (p.Phe516Ser)

Gene: CUBN (cubilin; minus strand). Cytogenetic location: 10p13.
Variant type: single nucleotide variant.
Coding change: c.1547T>C on transcript NM_001081.4 (MANE Select); coding-DNA position 1547, T replaced by C.
Protein change: p.Phe516Ser; replaces phenylalanine 516 with serine.
Molecular consequence: missense variant.
Genome position (GRCh38, 1-based): chr10:17,100,223, A>G on the plus strand (T>C on the coding strand, the complement: CUBN is on the minus strand). VCF-style: chr10-17100223-A-G. GRCh37 (hg19) VCF-style: chr10-17142222-A-G.
Other names: short protein forms F516S.
Identifiers: ClinVar variation 1944763 (VCV001944763.4), dbSNP rs2492036261, ClinGen allele CA376158343.